The following is an entry in ClinVar:

NM_000921.5(PDE3A):c.1345G>T (p.Gly449Cys)

Gene: PDE3A (phosphodiesterase 3A; plus strand). Cytogenetic location: 12p12.2.
Variant type: single nucleotide variant.
Coding change: c.1345G>T on transcript NM_000921.5 (MANE Select); coding-DNA position 1345, G replaced by T.
Protein change: p.Gly449Cys; replaces glycine 449 with cysteine.
Molecular consequence: missense variant.
Genome position (GRCh38, 1-based): chr12:20,616,305, G>T. VCF-style: chr12-20616305-G-T. GRCh37 (hg19) VCF-style: chr12-20769239-G-T.
Other names: c.379G>T, p.Gly127Cys (NM_001244683.2, NM_001378409.1); c.1345G>T, p.Gly449Cys (NM_001378407.1); c.382G>T, p.Gly128Cys (NM_001378408.1); short protein forms G127C, G128C, G449C.
Identifiers: ClinVar variation 4855525 (VCV004855525.1).

ClinVar aggregate classification (germline): Likely pathogenic (1 of 4 stars; one submission).

Conditions:
Brachydactyly-arterial hypertension syndrome. Also called: BILGINTURAN SYNDROME. Identifiers: Orphanet 1276, MedGen C1862170, MONDO:0007211, OMIM 112410.

Submission:

3billion
Classification: Likely pathogenic for Brachydactyly-arterial hypertension syndrome. Last evaluated: 2025-06-19. Review status: criteria provided, single submitter. Criteria: ACMG Guidelines, 2015. Collection method: clinical testing. Allele origin: germline. Affected: yes.
Comment: The variant is not observed in the gnomAD v4.1.0 dataset. Predicted Consequence/Location: The variant is located in a mutational hot spot and/or well-established functional domain in which established pathogenic variants have been reported. Missense variant. Missense changes are a common disease-causing mechanism. Different missense changes at the same codon (p.Gly449Asp, p.Gly449Val) have been reported as pathogenic/likely pathogenic with strong evidence (ClinVar ID: VCV000193025, VCV000977321 /PMID: 25961942, 29758562). Therefore, this variant is classified as Likely pathogenic according to the recommendation of ACMG/AMP guideline.

Literature cited by the submitters: PubMed 25961942.